The following is an entry in ClinVar:

NM_001292063.2(OTOG):c.891G>A (p.Glu297=)

Gene: OTOG (otogelin; plus strand). Cytogenetic location: 11p15.1.
Variant type: single nucleotide variant.
Coding change: c.891G>A on transcript NM_001292063.2 (MANE Select); coding-DNA position 891, G replaced by A.
Protein change: p.Glu297=; no amino-acid change (glutamic acid 297 retained).
Molecular consequence: synonymous variant.
Genome position (GRCh38, 1-based): chr11:17,558,210, G>A. VCF-style: chr11-17558210-G-A. GRCh37 (hg19) VCF-style: chr11-17579757-G-A.
Other names: c.927G>A, p.Glu309= (NM_001277269.2).
Identifiers: ClinVar variation 3054044 (VCV003054044.2), dbSNP rs1852096796, ClinGen allele CA473306856.

ClinVar aggregate classification (germline): Likely benign (0 of 4 stars; one submission).

Conditions:
OTOG-related disorder. Also called: OTOG-related condition.

Allele frequency attached by ClinVar (database versions not stated): gnomAD exomes below 0.00001.
gnomAD v4.1: 6 of 1,550,530 alleles (0.00039%); highest among the groups gnomAD compares: Admixed American, 0.002%; no homozygotes.

Submission:

PreventionGenetics, part of Exact Sciences
Classification: Likely benign for OTOG-related condition. Last evaluated: 2020-05-04. Review status: no assertion criteria provided. Collection method: clinical testing. Allele origin: germline.
Comment: This variant is classified as likely benign based on ACMG/AMP sequence variant interpretation guidelines (Richards et al. 2015 PMID: 25741868, with internal and published modifications).